The following is an entry in ClinVar:

NM_000742.4(CHRNA2):c.956C>G (p.Pro319Arg)

Gene: CHRNA2 (cholinergic receptor nicotinic alpha 2 subunit; minus strand). Cytogenetic location: 8p21.2.
Variant type: single nucleotide variant.
Coding change: c.956C>G on transcript NM_000742.4 (MANE Select); coding-DNA position 956, C replaced by G.
Protein change: p.Pro319Arg; replaces proline 319 with arginine.
Molecular consequence: missense variant.
Genome position (GRCh38, 1-based): chr8:27,463,487, G>C on the plus strand (C>G on the coding strand, the complement: CHRNA2 is on the minus strand). VCF-style: chr8-27463487-G-C. GRCh37 (hg19) VCF-style: chr8-27321004-G-C.
Other names: c.911C>G, p.Pro304Arg (NM_001282455.2); c.479C>G, p.Pro160Arg (NM_001347705.2, NM_001347706.2); c.362C>G, p.Pro121Arg (NM_001347707.2, NM_001347708.2); short protein forms P121R, P160R, P304R, P319R.
Identifiers: ClinVar variation 855367 (VCV000855367.9), dbSNP rs750130500, ClinGen allele CA370810121.

ClinVar aggregate classification (germline): Uncertain significance. Review status: criteria provided, multiple submitters, no conflicts (2 of 4 stars). 2 submissions from 2 submitters: Uncertain significance (2). Last evaluated 2025-02-20.

Conditions:
Familial sleep-related hypermotor epilepsy. Also called: Autosomal Dominant Sleep-Related Hypermotor (Hyperkinetic) Epilepsy. Identifiers: Orphanet 98784, MedGen C3696898, MONDO:0000030.
Inborn genetic diseases. Identifiers: MedGen C0950123, MeSH D030342.

gnomAD v4.1: 19 of 1,614,218 alleles (0.0012%); highest among the groups gnomAD compares: East Asian, 0.0045%; no homozygotes.

Submissions (2):

Ambry Genetics
Classification: Uncertain significance for Inborn genetic diseases. Last evaluated: 2025-02-20. Review status: criteria provided, single submitter. Criteria: Ambry Variant Classification Scheme 2023. Collection method: clinical testing. Allele origin: germline.

Labcorp Genetics (formerly Invitae), Labcorp
Classification: Uncertain significance. Last evaluated: 2024-04-05. Review status: criteria provided, single submitter. Criteria: Invitae Variant Classification Sherloc (09022015). Collection method: clinical testing. Allele origin: germline.
Comment: This sequence change replaces proline, which is neutral and non-polar, with arginine, which is basic and polar, at codon 319 of the CHRNA2 protein (p.Pro319Arg). This variant is present in population databases (no rsID available, gnomAD 0.0009%). This variant has not been reported in the literature in individuals affected with CHRNA2-related conditions. ClinVar contains an entry for this variant (Variation ID: 855367). Advanced modeling of protein sequence and biophysical properties (such as structural, functional, and spatial information, amino acid conservation, physicochemical variation, residue mobility, and thermodynamic stability) performed at Invitae indicates that this missense variant is expected to disrupt CHRNA2 protein function with a positive predictive value of 80%. In summary, the available evidence is currently insufficient to determine the role of this variant in disease. Therefore, it has been classified as a Variant of Uncertain Significance.